The following is an entry in ClinVar:

NM_022489.4(INF2):c.640C>G (p.Arg214Gly)

Gene: INF2 (inverted formin 2; plus strand). Cytogenetic location: 14q32.33.
Variant type: single nucleotide variant.
Coding change: c.640C>G on transcript NM_022489.4 (MANE Select); coding-DNA position 640, C replaced by G.
Protein change: p.Arg214Gly; replaces arginine 214 with glycine.
Molecular consequence: missense variant.
Genome position (GRCh38, 1-based): chr14:104,703,427, C>G. VCF-style: chr14-104703427-C-G. GRCh37 (hg19) VCF-style: chr14-105169764-C-G.
Other names: c.640C>G, p.Arg214Gly (NM_001031714.4, NM_001426862.1, NM_001426863.1 and 6 more transcripts); short protein forms R214G.
Identifiers: ClinVar variation 3066336 (VCV003066336.1), dbSNP rs912928648, ClinGen allele CA391213431.
Genomic context (GRCh38, chr14:104,703,427, plus strand): 5'-GTGGTCACCCTGCTTAGCGTGATCAACGCCGTCATCTTGGGCCCCGAGGACCTGCGCGCG[C>G]GCACCCAGCTGCGGAACGAGTTTATCGGTAAGCACCTGCCCTGGGCCGCATGCCCGCTCC-3'
Protein context (NP_071934.3, residues 204-224): VILGPEDLRA[Arg214Gly]TQLRNEFIGL

ClinVar aggregate classification (germline): Likely pathogenic (1 of 4 stars; one submission).

Conditions:
Focal segmental glomerulosclerosis 5 (FSGS5). Identifiers: Orphanet 656, MedGen C2750475, MONDO:0013191, OMIM 613237.

Submission:

MVZ Medizinische Genetik Mainz
Classification: Likely pathogenic for Focal segmental glomerulosclerosis 5. Last evaluated: 2021-08-30. Review status: criteria provided, single submitter. Criteria: UK Practice Guidelines For Variant Classification V4 01 2020. Collection method: clinical testing. Allele origin: germline. Inheritance: Autosomal dominant inheritance. Affected: yes. Observed: 1 variant allele.
Comment: ACMG Criteria: PM1, PM2_SUP, PM5, PP2, PP3, PP4